The following is an entry in ClinVar:

ClinVar aggregate classification (germline): Conflicting classifications of pathogenicity. Review status: criteria provided, conflicting classifications (1 of 4 stars). 3 submissions from 3 submitters: Uncertain significance (2); Likely benign (1). Last evaluated 2026-01-28.

Conditions:
Primary ciliary dyskinesia. Also called: Ciliary dyskinesia. Identifiers: Orphanet 244, MedGen C0008780, MONDO:0016575, HP:0012265.

Allele frequency attached by ClinVar (database versions not stated): gnomAD 0.00002; gnomAD exomes 0.00002; ExAC 0.00008; TOPMed 0.00009.
gnomAD v4.1: 38 of 1,613,948 alleles (0.0024%); highest among the groups gnomAD compares: Admixed American, 0.033%; no homozygotes.

Submissions (3):

Labcorp Genetics (formerly Invitae), Labcorp
Classification: Uncertain significance for Primary ciliary dyskinesia. Last evaluated: 2026-01-28. Review status: criteria provided, single submitter. Criteria: Invitae Variant Classification Sherloc (09022015). Collection method: clinical testing. Allele origin: germline.
Comment: This sequence change replaces arginine, which is basic and polar, with histidine, which is basic and polar, at codon 164 of the DNAAF1 protein (p.Arg164His). This variant is present in population databases (rs750513286, gnomAD 0.04%). This variant has not been reported in the literature in individuals affected with DNAAF1-related conditions. ClinVar contains an entry for this variant (Variation ID: 1744108). An algorithm developed to predict the effect of missense changes on protein structure and function (PolyPhen-2) suggests that this variant is likely to be tolerated. In summary, the available evidence is currently insufficient to determine the role of this variant in disease. Therefore, it has been classified as a Variant of Uncertain Significance.

Blueprint Genetics
Classification: Uncertain significance. Last evaluated: 2023-08-17. Review status: criteria provided, single submitter. Criteria: ACMG Guidelines, 2015. Collection method: clinical testing. Allele origin: germline.

Ambry Genetics
Classification: Likely benign for Primary ciliary dyskinesia. Last evaluated: 2020-09-30. Review status: criteria provided, single submitter. Criteria: Ambry Variant Classification Scheme 2023. Collection method: clinical testing. Allele origin: germline.

NM_178452.6(DNAAF1):c.491G>A (p.Arg164His)

Gene: DNAAF1 (dynein axonemal assembly factor 1; plus strand). Cytogenetic location: 16q24.1.
Variant type: single nucleotide variant.
Coding change: c.491G>A on transcript NM_178452.6 (MANE Select); coding-DNA position 491, G replaced by A.
Protein change: p.Arg164His; replaces arginine 164 with histidine.
Molecular consequence: missense variant.
Genome position (GRCh38, 1-based): chr16:84,154,715, G>A. VCF-style: chr16-84154715-G-A. GRCh37 (hg19) VCF-style: chr16-84188320-G-A.
Other names: short protein forms R164H.
Identifiers: ClinVar variation 1744108 (VCV001744108.7), dbSNP rs750513286, ClinGen allele CA8202510.